The following is an entry in ClinVar:

NM_000260.4(MYO7A):c.5920A>C (p.Lys1974Gln)

Gene: MYO7A (myosin VIIA; plus strand). Cytogenetic location: 11q13.5.
Variant type: single nucleotide variant.
Coding change: c.5920A>C on transcript NM_000260.4 (MANE Select); coding-DNA position 5920, A replaced by C.
Protein change: p.Lys1974Gln; replaces lysine 1974 with glutamine.
Molecular consequence: missense variant.
Genome position (GRCh38, 1-based): chr11:77,208,493, A>C. VCF-style: chr11-77208493-A-C. GRCh37 (hg19) VCF-style: chr11-76919538-A-C.
Other names: c.5806A>C, p.Lys1936Gln (NM_001127180.2); c.5773A>C, p.Lys1925Gln (NM_001369365.1); short protein forms K1925Q, K1936Q, K1974Q.
Identifiers: ClinVar variation 2119379 (VCV002119379.1), dbSNP rs1957616356, ClinGen allele CA381932760.

ClinVar aggregate classification (germline): Uncertain significance (1 of 4 stars; one submission).

Allele frequency attached by ClinVar (database versions not stated): gnomAD 0.00001.
gnomAD v4.1: 1 of 1,613,492 alleles (0.000062%); highest among the groups gnomAD compares: African/African-American, 0.0013%; no homozygotes.

Submission:

Labcorp Genetics (formerly Invitae), Labcorp
Classification: Uncertain significance. Last evaluated: 2022-03-29. Review status: criteria provided, single submitter. Criteria: Invitae Variant Classification Sherloc (09022015). Collection method: clinical testing. Allele origin: germline.
Comment: This sequence change replaces lysine, which is basic and polar, with glutamine, which is neutral and polar, at codon 1974 of the MYO7A protein (p.Lys1974Gln). This variant is not present in population databases (gnomAD no frequency). This variant has not been reported in the literature in individuals affected with MYO7A-related conditions. Advanced modeling of protein sequence and biophysical properties (such as structural, functional, and spatial information, amino acid conservation, physicochemical variation, residue mobility, and thermodynamic stability) performed at Invitae indicates that this missense variant is not expected to disrupt MYO7A protein function. In summary, the available evidence is currently insufficient to determine the role of this variant in disease. Therefore, it has been classified as a Variant of Uncertain Significance.